The following is an entry in ClinVar:

NM_001349253.2(SCN11A):c.764A>T (p.Asn255Ile)

Gene: SCN11A (sodium voltage-gated channel alpha subunit 11; minus strand). Cytogenetic location: 3p22.2.
Variant type: single nucleotide variant.
Coding change: c.764A>T on transcript NM_001349253.2 (MANE Select); coding-DNA position 764, A replaced by T.
Protein change: p.Asn255Ile; replaces asparagine 255 with isoleucine.
Molecular consequence: missense variant.
Genome position (GRCh38, 1-based): chr3:38,921,204, T>A on the plus strand (A>T on the coding strand, the complement: SCN11A is on the minus strand). VCF-style: chr3-38921204-T-A. GRCh37 (hg19) VCF-style: chr3-38962695-T-A.
Other names: c.764A>T, p.Asn255Ile (NM_014139.3); short protein forms N255I.
Identifiers: ClinVar variation 1969148 (VCV001969148.5), dbSNP rs1055738935, ClinGen allele CA72970891.
Genomic context (GRCh38, chr3:38,921,204, plus strand): 5'-AAGAGCTGCTGACCTACCAGGGCAAAGATGCTGAGGCAAAAGAAGGTGAGGATAATCACG[T>A]TGACCAGCTTCTTCACAGAGCGTAGCAAGGCCCCCACGATGACCTTCAGACCTGAGAAAG-3'
Protein context (NP_001336182.1, residues 245-265): ALLRSVKKLV[Asn255Ile]VIILTFFCLS

ClinVar aggregate classification (germline): Uncertain significance (1 of 4 stars; one submission).

Conditions:
Hereditary sensory and autonomic neuropathy type 7. Also called: HSAN VII; Neuropathy, hereditary sensory and autonomic, type VII. Identifiers: Orphanet 391397, MedGen C3809882, MONDO:0014244, OMIM 615548.
Familial episodic pain syndrome with predominantly lower limb involvement. Also called: Episodic pain syndrome, familial, 3. Identifiers: Orphanet 391384, Orphanet 391392, MedGen C3809899, MONDO:0014247, OMIM 615552.

Submission:

Labcorp Genetics (formerly Invitae), Labcorp
Classification: Uncertain significance for Familial episodic pain syndrome with predominantly lower limb involvement; Hereditary sensory and autonomic neuropathy type 7. Last evaluated: 2022-06-27. Review status: criteria provided, single submitter. Criteria: Invitae Variant Classification Sherloc (09022015). Collection method: clinical testing. Allele origin: germline.
Comment: In summary, the available evidence is currently insufficient to determine the role of this variant in disease. Therefore, it has been classified as a Variant of Uncertain Significance. Algorithms developed to predict the effect of missense changes on protein structure and function are either unavailable or do not agree on the potential impact of this missense change (SIFT: "Deleterious"; PolyPhen-2: "Benign"; Align-GVGD: "Class C15"). This variant has not been reported in the literature in individuals affected with SCN11A-related conditions. This variant is not present in population databases (gnomAD no frequency). This sequence change replaces asparagine, which is neutral and polar, with isoleucine, which is neutral and non-polar, at codon 255 of the SCN11A protein (p.Asn255Ile).